The following is an entry in ClinVar:

NM_000088.4(COL1A1):c.1783del (p.Ala595fs)

Gene: COL1A1 (collagen type I alpha 1 chain; minus strand). Cytogenetic location: 17q21.33.
Variant type: Deletion.
Coding change: c.1783del on transcript NM_000088.4 (MANE Select); coding-DNA position 1783, one base deleted (G; older notation c.1783delG).
Protein change: p.Ala595fs; shifts the reading frame from alanine 595.
Molecular consequence: frameshift variant.
Genome position (GRCh38, 1-based): chr17:50,193,032, C deleted on the plus strand (G on the coding strand, the reverse complement: COL1A1 is on the minus strand); the first of 2 consecutive C bases (chr17:50,193,032-50,193,033); deleting either gives the same sequence. VCF-style (leftmost placement, unchanged base first): chr17-50193031-GC-G. GRCh37 (hg19) VCF-style: chr17-48270392-GC-G.
Other names: short protein forms A595fs.
Identifiers: ClinVar variation 2116289 (VCV002116289.4), dbSNP rs2509209764, ClinGen allele CA2580094396.
Genomic context (GRCh38, chr17:50,193,031, plus strand): 5'-AGGGATGGAAAGGAGATACTTACGACAGCGCCAGGGGGTCCGGGAACACCTCGCTCTCCA[GC>G]CTTGCCGGGCTCTCCCTGTGGAGAAAGGGAGTTAGGGTTGAGGGGGCTGAAGTGAGAAGC-3'

ClinVar aggregate classification (germline): Pathogenic (1 of 4 stars; one submission).

Conditions:
Osteogenesis imperfecta type I (OI1). Also called: Lobstein disease; OI, TYPE I; OSTEOGENESIS IMPERFECTA TARDA; OSTEOGENESIS IMPERFECTA WITH BLUE SCLERAE; Osteogenesis imperfecta type 1; Classic Non-deforming Osteogenesis Imperfecta with Blue Sclerae. Identifiers: Orphanet 216796, Orphanet 666, MedGen C0023931, MONDO:0008146, OMIM 166200. Disease mechanism: loss of function.

Submission:

Labcorp Genetics (formerly Invitae), Labcorp
Classification: Pathogenic for Osteogenesis imperfecta type I. Last evaluated: 2025-07-10. Review status: criteria provided, single submitter. Criteria: Invitae Variant Classification Sherloc (09022015). Collection method: clinical testing. Allele origin: germline.
Comment: This sequence change creates a premature translational stop signal (p.Ala595Leufs*171) in the COL1A1 gene. It is expected to result in an absent or disrupted protein product. Loss-of-function variants in COL1A1 are known to be pathogenic (PMID: 7942841, 9295084, 9443882). This variant is not present in population databases (gnomAD no frequency). This variant has not been reported in the literature in individuals affected with COL1A1-related conditions. ClinVar contains an entry for this variant (Variation ID: 2116289). For these reasons, this variant has been classified as Pathogenic.

Literature cited by the submitters: PubMed 7942841; PubMed 9295084; PubMed 9443882.